The following is an entry in ClinVar:

NM_015330.6(SPECC1L):c.1613A>G (p.Lys538Arg)

Genes: SPECC1L (sperm antigen with calponin homology and coiled-coil domains 1 like; plus strand), SPECC1L-ADORA2A (SPECC1L-ADORA2A readthrough (NMD candidate); plus strand). Cytogenetic location: 22q11.23.
Variant type: single nucleotide variant.
Coding change: c.1613A>G on transcript NM_015330.6 (MANE Select); coding-DNA position 1613, A replaced by G.
Protein change: p.Lys538Arg; replaces lysine 538 with arginine.
Molecular consequence: missense variant. On other transcripts: non-coding transcript variant (1).
Genome position (GRCh38, 1-based): chr22:24,322,593, A>G. VCF-style: chr22-24322593-A-G. GRCh37 (hg19) VCF-style: chr22-24718561-A-G.
Other names: c.1613A>G, p.Lys538Arg (NM_001145468.4, NM_001254732.3); short protein forms K538R.
Identifiers: ClinVar variation 2053286 (VCV002053286.4), dbSNP rs749704518, ClinGen allele CA10152145.

ClinVar aggregate classification (germline): Uncertain significance. Review status: criteria provided, multiple submitters, no conflicts (2 of 4 stars). 2 submissions from 2 submitters: Uncertain significance (2). Last evaluated 2022-07-20.

Conditions:
Inborn genetic diseases. Identifiers: MedGen C0950123, MeSH D030342.

Allele frequency attached by ClinVar (database versions not stated): gnomAD 0.00001; gnomAD exomes 0.00001; TOPMed 0.00001; ExAC 0.00002.
gnomAD v4.1: 11 of 1,614,102 alleles (0.00068%); highest among the groups gnomAD compares: Admixed American, 0.0067%; no homozygotes.

Submissions (2):

Ambry Genetics
Classification: Uncertain significance for Inborn genetic diseases. Last evaluated: 2022-07-20. Review status: criteria provided, single submitter. Criteria: Ambry Variant Classification Scheme 2023. Collection method: clinical testing. Allele origin: germline.

Labcorp Genetics (formerly Invitae), Labcorp
Classification: Uncertain significance. Last evaluated: 2022-02-08. Review status: criteria provided, single submitter. Criteria: Invitae Variant Classification Sherloc (09022015). Collection method: clinical testing. Allele origin: germline.
Comment: In summary, the available evidence is currently insufficient to determine the role of this variant in disease. Therefore, it has been classified as a Variant of Uncertain Significance. Algorithms developed to predict the effect of missense changes on protein structure and function are either unavailable or do not agree on the potential impact of this missense change (SIFT: "Tolerated"; PolyPhen-2: "Probably Damaging"; Align-GVGD: "Class C0"). This variant has not been reported in the literature in individuals affected with SPECC1L-related conditions. This variant is present in population databases (rs749704518, gnomAD 0.009%). This sequence change replaces lysine, which is basic and polar, with arginine, which is basic and polar, at codon 538 of the SPECC1L protein (p.Lys538Arg).